The following is an entry in ClinVar:

ClinVar aggregate classification (germline): Uncertain significance (1 of 4 stars; one submission).

Submission:

GeneDx
Classification: Uncertain significance. Last evaluated: 2023-07-11. Review status: criteria provided, single submitter. Criteria: GeneDx Variant Classification Process June 2021. Collection method: clinical testing. Allele origin: germline. Affected: yes.
Comment: Not observed at significant frequency in large population cohorts (gnomAD); In silico analysis supports that this missense variant has a deleterious effect on protein structure/function; Has not been previously published as pathogenic or benign to our knowledge

NM_001330700.2(TOP2B):c.1658G>A (p.Arg553His)

Gene: TOP2B (DNA topoisomerase II beta; minus strand). Cytogenetic location: 3p24.2.
Variant type: single nucleotide variant.
Coding change: c.1658G>A on transcript NM_001330700.2 (MANE Select); coding-DNA position 1658, G replaced by A.
Protein change: p.Arg553His; replaces arginine 553 with histidine.
Molecular consequence: missense variant.
Genome position (GRCh38, 1-based): chr3:25,630,060, C>T on the plus strand (G>A on the coding strand, the complement: TOP2B is on the minus strand). VCF-style: chr3-25630060-C-T. GRCh37 (hg19) VCF-style: chr3-25671551-C-T.
Other names: c.1643G>A, p.Arg548His (NM_001068.3); short protein forms R548H, R553H.
Identifiers: ClinVar variation 2505893 (VCV002505893.2), dbSNP rs748179631, ClinGen allele CA71653798.